The following is an entry in ClinVar:

ClinVar aggregate classification (germline): Benign/Likely benign. Review status: criteria provided, multiple submitters, no conflicts (2 of 4 stars). 3 submissions from 3 submitters: Benign (1); Likely benign (2). Last evaluated 2026-08-18.

Conditions:
DICER1-related tumor predisposition. Also called: DICER1 syndrome; DICER1-related pleuropulmonary blastoma cancer predisposition syndrome. Identifiers: Orphanet 284343, MedGen C3839822, MONDO:0100216.
Hereditary cancer-predisposing syndrome. Also called: Hereditary neoplastic syndrome; Neoplastic Syndromes, Hereditary; Tumor predisposition; Hereditary Cancer Syndrome. Identifiers: Orphanet 140162, MedGen C0027672, MeSH D009386, MONDO:0015356.

Allele frequency attached by ClinVar (database versions not stated): gnomAD exomes below 0.00001; ESP Exome Variant Server 0.00008.
gnomAD v4.1: 2 of 1,614,198 alleles (0.00012%); highest among the groups gnomAD compares: African/African-American, 0.0027%; no homozygotes.

Submissions (3):

Myriad Genetics, Inc.
Classification: Benign for DICER1-related tumor predisposition. Last evaluated: 2026-08-18. Review status: criteria provided, single submitter. Criteria: Myriad Autosomal Dominant, Autosomal Recessive and X-Linked Classification Criteria (2023). Collection method: clinical testing. Allele origin: unknown.
Comment: This variant is considered benign. This variant is a silent/synonymous amino acid change and it is not expected to impact splicing.

Labcorp Genetics (formerly Invitae), Labcorp
Classification: Likely benign for DICER1-related tumor predisposition. Last evaluated: 2024-05-07. Review status: criteria provided, single submitter. Criteria: Invitae Variant Classification Sherloc (09022015). Collection method: clinical testing. Allele origin: germline.

Ambry Genetics
Classification: Likely benign for Hereditary cancer-predisposing syndrome. Last evaluated: 2019-05-23. Review status: criteria provided, single submitter. Criteria: Ambry Variant Classification Scheme 2023. Collection method: clinical testing. Allele origin: germline.

NM_177438.3(DICER1):c.4719C>T (p.Ser1573=)

Gene: DICER1 (dicer 1, ribonuclease III; minus strand). Cytogenetic location: 14q32.13.
Variant type: single nucleotide variant.
Coding change: c.4719C>T on transcript NM_177438.3 (MANE Select); coding-DNA position 4719, C replaced by T.
Protein change: p.Ser1573=; no amino-acid change (serine 1573 retained).
Molecular consequence: synonymous variant.
Genome position (GRCh38, 1-based): chr14:95,096,201, G>A on the plus strand (C>T on the coding strand, the complement: DICER1 is on the minus strand). VCF-style: chr14-95096201-G-A. GRCh37 (hg19) VCF-style: chr14-95562538-G-A.
Other names: c.4719C>T, p.Ser1573= (NM_001195573.1, NM_001271282.3, NM_001291628.2 and 1 more transcripts).
Identifiers: ClinVar variation 825119 (VCV000825119.15), dbSNP rs141265948, ClinGen allele CA265898050.
Genomic context (GRCh38, chr14:95,096,201, plus strand): 5'-TACCGGGAGCACCTTCAGCCCCAGTGAACAGAGGAAAAGCTGAGCAGCCCTCTCCCCACA[G>A]CTGGTTAAATAGCAGCCCAGCAGGGCTTCCACACAGTCCGCTATGCTTTTGTCAGCAATA-3'
Protein context (NP_803187.1, residues 1563-1583): VEALLGCYLT[Ser1573=]CGERAAQLFL